The following is an entry in ClinVar:

NM_012470.4(TNPO3):c.2314del (p.Val772fs)

Gene: TNPO3 (transportin 3; minus strand). Cytogenetic location: 7q32.1.
Variant type: Deletion.
Coding change: c.2314del on transcript NM_012470.4 (MANE Select); coding-DNA position 2314, one base deleted (G; older notation c.2314delG).
Protein change: p.Val772fs; shifts the reading frame from valine 772.
Molecular consequence: frameshift variant. On other transcripts: non-coding transcript variant (18).
Genome position (GRCh38, 1-based): chr7:128,972,542, C deleted on the plus strand (G on the coding strand, the reverse complement: TNPO3 is on the minus strand). VCF-style (leftmost placement, unchanged base first): chr7-128972541-AC-A. GRCh37 (hg19) VCF-style: chr7-128612595-AC-A.
Other names: c.2122del, p.Val708fs (NM_001191028.3, NM_001382223.1); c.2416del, p.Val806fs (NM_001382216.1); c.2395del, p.Val799fs (NM_001382217.1); c.2314del, p.Val772fs (NM_001382218.1); c.2206del, p.Val736fs (NM_001382219.1); c.2173del, p.Val725fs (NM_001382220.1); c.2170del, p.Val724fs (NM_001382221.1); c.2167del, p.Val723fs (NM_001382222.1); short protein forms V708fs, V723fs, V724fs, V725fs, V736fs, V772fs, V799fs, V806fs.
Identifiers: ClinVar variation 1314741 (VCV001314741.2), dbSNP rs2128995361, ClinGen allele CA2573052823.

ClinVar aggregate classification (germline): Uncertain significance (1 of 4 stars; one submission).

Submission:

GeneDx
Classification: Uncertain significance. Last evaluated: 2021-04-23. Review status: criteria provided, single submitter. Criteria: GeneDx Variant Classification Process June 2021. Collection method: clinical testing. Allele origin: germline. Affected: yes.
Comment: Not observed in large population cohorts (Lek et al., 2016); Frameshift variant predicted to result in protein truncation or nonsense mediated decay in a gene for which loss-of-function is not a known mechanism of disease; Has not been previously published as pathogenic or benign to our knowledge